The following is an entry in ClinVar:

NM_001776.6(ENTPD1):c.1137G>C (p.Gln379His)

Genes: ENTPD1-AS1 (ENTPD1 antisense RNA 1; minus strand), ENTPD1 (ectonucleoside triphosphate diphosphohydrolase 1; plus strand). Cytogenetic location: 10q24.1.
Variant type: single nucleotide variant.
Coding change: c.1137G>C on transcript NM_001776.6 (MANE Select); coding-DNA position 1137, G replaced by C.
Protein change: p.Gln379His; replaces glutamine 379 with histidine.
Molecular consequence: missense variant.
Genome position (GRCh38, 1-based): chr10:95,860,531, G>C. VCF-style: chr10-95860531-G-C. GRCh37 (hg19) VCF-style: chr10-97620288-G-C.
Other names: c.1158G>C, p.Gln386His (NM_001098175.2); c.1173G>C, p.Gln391His (NM_001164178.1, NM_001320916.1); c.1014G>C, p.Gln338His (NM_001164179.2); c.813G>C, p.Gln271His (NM_001164181.1, NM_001312654.1); c.723G>C, p.Gln241His (NM_001164182.2, NM_001164183.2); short protein forms Q379H, Q386H, Q271H, Q391H, Q241H, Q338H.
Identifiers: ClinVar variation 1499339 (VCV001499339.8), dbSNP rs994434491, ClinGen allele CA212156111.
Genomic context (GRCh38, chr10:95,860,531, plus strand): 5'-ATTTTCAGCTTTTTACTTTGTGATGAAGTTTTTAAACTTGACATCAGAGAAAGTCTCTCA[G>C]GAAAAGGTGACTGAGATGATGAAAAAGTTCTGTGCTCAGCCTTGGGAGGAGGTAAGTGAC-3'
Protein context (NP_001767.3, residues 369-389): FLNLTSEKVS[Gln379His]EKVTEMMKKF

ClinVar aggregate classification (germline): Uncertain significance (1 of 4 stars; one submission).

Conditions:
Hereditary spastic paraplegia 64. Also called: Spastic paraplegia 64, autosomal recessive; ENTPD1-Related Neurodevelopmental Disorder. Identifiers: Orphanet 401810, MedGen C3810289, MONDO:0014303, OMIM 615683.

Allele frequency attached by ClinVar (database versions not stated): gnomAD 0.00001; gnomAD exomes 0.00001.
gnomAD v4.1: 3 of 1,613,832 alleles (0.00019%); highest among the groups gnomAD compares: Admixed American, 0.005%; no homozygotes.

Submission:

Labcorp Genetics (formerly Invitae), Labcorp
Classification: Uncertain significance for Hereditary spastic paraplegia 64. Last evaluated: 2025-01-15. Review status: criteria provided, single submitter. Criteria: Invitae Variant Classification Sherloc (09022015). Collection method: clinical testing. Allele origin: germline.
Comment: This sequence change replaces glutamine, which is neutral and polar, with histidine, which is basic and polar, at codon 379 of the ENTPD1 protein (p.Gln379His). This variant is present in population databases (no rsID available, gnomAD 0.009%). This variant has not been reported in the literature in individuals affected with ENTPD1-related conditions. ClinVar contains an entry for this variant (Variation ID: 1499339). Invitae Evidence Modeling of protein sequence and biophysical properties (such as structural, functional, and spatial information, amino acid conservation, physicochemical variation, residue mobility, and thermodynamic stability) indicates that this missense variant is not expected to disrupt ENTPD1 protein function with a negative predictive value of 80%. In summary, the available evidence is currently insufficient to determine the role of this variant in disease. Therefore, it has been classified as a Variant of Uncertain Significance.